The following is an entry in ClinVar:

ClinVar aggregate classification (germline): Uncertain significance (3 of 4 stars; one submission).

Conditions:
Monogenic diabetes. Identifiers: Orphanet 183625, MedGen C3888631, MONDO:0015967.

gnomAD v4.1: 3 of 1,612,930 alleles (0.00019%); highest among the groups gnomAD compares: Non-Finnish European, 0.00025%; no homozygotes.

Submission:

ClinGen Monogenic Diabetes Variant Curation Expert Panel
Classification: Uncertain significance for Monogenic diabetes. Last evaluated: 2026-02-06. Review status: reviewed by expert panel. Criteria: ClinGen Diabetes ACMG Specifications HNF1A V3.1.0. Collection method: curation. Allele origin: germline. Inheritance: Autosomal dominant inheritance.
Comment: The c.139G>A variant in the HNF1 homeobox A gene, HNF1A, causes an amino acid change of glycine to arginine at codon 47 (p.(Gly47Arg)) of NM_000545.8. This variant has a gnomAD v4.1.0 Grpmax filtering allele frequency of 6.80e-7, which is below the ClinGen MDEP threshold of 0.000003 (PM2_Supporting). This variant has a REVEL score of 0.572, which is between the ClinGen MDEP thresholds, predicting neither a damaging nor benign impact on HNF1A function. This variant was identified in one individual with non-autoimmune and non-absolute/near-absolute insulin-deficient diabetes; however, PS4_Moderate cannot be applied because this number is below the ClinGen MDEP threshold and PP4 cannot be applied because the MODY probability is unable to be calculated for this individual due to lack of clinical information (PMID:32741144). Another missense variant at the same residue, c.140G>A (p.Gly47Glu), has been classified as a VUS by the ClinGen MDEP; therefore, PM5 will not be applied. The nucleotide change c.139G>C, which causes the same amino acid change, has been reported in a patient with monogenic diabetes; however, the c.139G>C variant has not met the criteria to be classified as pathogenic for monogenic diabetes by the ClinGen MDEP, so PS1 does not apply. In summary, c.139G>A meets the criteria to be classified as a variant of uncertain significance for monogenic diabetes. ACMG/AMP criteria applied, as specified by the ClinGen MDEP VCEP (specification version 3.1.0, approved 10/10/2025): PM2_Supporting.

Literature cited by the submitters: PubMed 32741144.

NM_000545.8(HNF1A):c.139G>A (p.Gly47Arg)

Gene: HNF1A (HNF1 homeobox A; plus strand). Cytogenetic location: 12q24.31.
Variant type: single nucleotide variant.
Coding change: c.139G>A on transcript NM_000545.8 (MANE Select); coding-DNA position 139, G replaced by A.
Protein change: p.Gly47Arg; replaces glycine 47 with arginine.
Molecular consequence: missense variant.
Genome position (GRCh38, 1-based): chr12:120,978,907, G>A. VCF-style: chr12-120978907-G-A. GRCh37 (hg19) VCF-style: chr12-121416710-G-A.
Other names: NM_001306179.2:c.139G>A; NM_000545.8(HNF1A):c.139G>A; p.Gly47Arg; c.139G>A, p.Gly47Arg (NM_001306179.2); short protein forms G47R.
Identifiers: ClinVar variation 1342944 (VCV001342944.4), dbSNP rs373180062, ClinGen allele CA386953145.